The following is an entry in ClinVar:

ClinVar aggregate classification (germline): Uncertain significance (1 of 4 stars; one submission).

Conditions:
Christianson syndrome (MRXSCH). Also called: X-linked mental retardation, syndromic, Christianson type; SLC9A6-Related Syndromic Mental Retardation; INTELLECTUAL DEVELOPMENTAL DISORDER, X-LINKED, SYNDROMIC, CHRISTIANSON TYPE. Identifiers: Orphanet 85278, MedGen C2678194, MONDO:0010278, OMIM 300243.

Submission:

Labcorp Genetics (formerly Invitae), Labcorp
Classification: Uncertain significance for Christianson syndrome. Last evaluated: 2022-02-01. Review status: criteria provided, single submitter. Criteria: Invitae Variant Classification Sherloc (09022015). Collection method: clinical testing. Allele origin: germline.
Comment: This variant is not present in population databases (gnomAD no frequency). In summary, the available evidence is currently insufficient to determine the role of this variant in disease. Therefore, it has been classified as a Variant of Uncertain Significance. Algorithms developed to predict the effect of missense changes on protein structure and function (SIFT, PolyPhen-2, Align-GVGD) all suggest that this variant is likely to be tolerated. This variant has not been reported in the literature in individuals affected with SLC9A6-related conditions. This sequence change replaces isoleucine, which is neutral and non-polar, with valine, which is neutral and non-polar, at codon 292 of the SLC9A6 protein (p.Ile292Val).

NM_001379110.1(SLC9A6):c.814A>G (p.Ile272Val)

Gene: SLC9A6 (solute carrier family 9 member A6; plus strand). Cytogenetic location: Xq26.3.
Variant type: single nucleotide variant.
Coding change: c.814A>G on transcript NM_001379110.1 (MANE Select); coding-DNA position 814, A replaced by G.
Protein change: p.Ile272Val; replaces isoleucine 272 with valine.
Molecular consequence: missense variant.
Genome position (GRCh38, 1-based): chrX:136,010,512, A>G. VCF-style: chrX-136010512-A-G. GRCh37 (hg19) VCF-style: chrX-135092671-A-G.
Other names: c.970A>G, p.Ile324Val (NM_001042537.2); c.814A>G, p.Ile272Val (NM_001177651.2, NM_001400909.1, NM_001400910.1 and 2 more transcripts); c.718A>G, p.Ile240Val (NM_001330652.2, NM_001400913.1); c.874A>G, p.Ile292Val (NM_006359.3); short protein forms I324V, I240V, I272V, I292V.
Identifiers: ClinVar variation 2091349 (VCV002091349.4), dbSNP rs2521290220, ClinGen allele CA414751247.